The following is an entry in ClinVar:

NM_004329.3(BMPR1A):c.675+19T>C

Gene: BMPR1A (bone morphogenetic protein receptor type 1A; plus strand). Cytogenetic location: 10q23.2.
Variant type: single nucleotide variant.
Coding change: c.675+19T>C on transcript NM_004329.3 (MANE Select); 19 bases into the intron after coding-DNA position 675, T replaced by C.
Molecular consequence: intron variant.
Genome position (GRCh38, 1-based): chr10:86,912,403, T>C. VCF-style: chr10-86912403-T-C. GRCh37 (hg19) VCF-style: chr10-88672160-T-C.
Identifiers: ClinVar variation 385301 (VCV000385301.9), dbSNP rs1057522182, ClinGen allele CA16606089.

ClinVar aggregate classification (germline): Likely benign. Review status: criteria provided, multiple submitters, no conflicts (2 of 4 stars). 2 submissions from 2 submitters: Likely benign (2). Last evaluated 2025-04-07.

Conditions:
Juvenile polyposis syndrome (JPS). Identifiers: Orphanet 2929, MedGen C0345893, MONDO:0017380, OMIM 174900.

Allele frequency attached by ClinVar (database versions not stated): gnomAD exomes 0.00001.
gnomAD v4.1: 9 of 1,613,660 alleles (0.00056%); highest among the groups gnomAD compares: Non-Finnish European, 0.00076%; no homozygotes.

Submissions (2):

Labcorp Genetics (formerly Invitae), Labcorp
Classification: Likely benign for Juvenile polyposis syndrome. Last evaluated: 2025-04-07. Review status: criteria provided, single submitter. Criteria: Invitae Variant Classification Sherloc (09022015). Collection method: clinical testing. Allele origin: germline.

GeneDx
Classification: Likely benign. Last evaluated: 2016-04-04. Review status: criteria provided, single submitter. Criteria: GeneDx Variant Classification (06012015). Collection method: clinical testing. Allele origin: germline. Affected: yes.
Comment: This variant is considered likely benign or benign based on one or more of the following criteria: it is a conservative change, it occurs at a poorly conserved position in the protein, it is predicted to be benign by multiple in silico algorithms, and/or has population frequency not consistent with disease.